The following is an entry in ClinVar:

ClinVar aggregate classification (germline): Uncertain significance (1 of 4 stars; one submission).

Conditions:
Hereditary cancer-predisposing syndrome. Also called: Hereditary Cancer Syndrome; Neoplastic Syndromes, Hereditary; Tumor predisposition; Hereditary neoplastic syndrome. Identifiers: Orphanet 140162, MedGen C0027672, MeSH D009386, MONDO:0015356.

Submission:

Ambry Genetics
Classification: Uncertain significance for Hereditary cancer-predisposing syndrome. Last evaluated: 2017-03-16. Review status: criteria provided, single submitter. Criteria: Ambry Variant Classification Scheme 2023. Collection method: clinical testing. Allele origin: germline.
Comment: The p.Q555K variant (also known as c.1663C>A), located in coding exon 9 of the SMARCA4 gene, results from a C to A substitution at nucleotide position 1663. The glutamine at codon 555 is replaced by lysine, an amino acid with similar properties. This amino acid position is highly conserved in available vertebrate species. In addition, this alteration is predicted to be tolerated by in silico analysis. Since supporting evidence is limited at this time, the clinical significance of this alteration remains unclear.

NM_003072.5(SMARCA4):c.1663C>A (p.Gln555Lys)

Gene: SMARCA4 (SWI/SNF related BAF chromatin remodeling complex subunit ATPase 4; plus strand). Cytogenetic location: 19p13.2.
Variant type: single nucleotide variant.
Coding change: c.1663C>A on transcript NM_003072.5 (MANE Select); coding-DNA position 1663, C replaced by A.
Protein change: p.Gln555Lys; replaces glutamine 555 with lysine.
Molecular consequence: missense variant. On other transcripts: non-coding transcript variant (1).
Genome position (GRCh38, 1-based): chr19:10,996,282, C>A. VCF-style: chr19-10996282-C-A. GRCh37 (hg19) VCF-style: chr19-11106958-C-A.
Other names: c.1663C>A, p.Gln555Lys (NM_001128844.3, NM_001128845.2, NM_001128846.2 and 5 more transcripts); short protein forms Q555K.
Identifiers: ClinVar variation 480675 (VCV000480675.5), dbSNP rs1555763639, ClinGen allele CA404064366.